The following is an entry in ClinVar:

NM_001377458.1(CLCC1):c.962A>C (p.Glu321Ala)

Gene: CLCC1 (chloride channel CLIC like 1; minus strand). Cytogenetic location: 1p13.3.
Variant type: single nucleotide variant.
Coding change: c.962A>C on transcript NM_001377458.1 (MANE Select); coding-DNA position 962, A replaced by C.
Protein change: p.Glu321Ala; replaces glutamic acid 321 with alanine.
Molecular consequence: missense variant. On other transcripts: non-coding transcript variant (1).
Genome position (GRCh38, 1-based): chr1:108,939,715, T>G on the plus strand (A>C on the coding strand, the complement: CLCC1 is on the minus strand). VCF-style: chr1-108939715-T-G. GRCh37 (hg19) VCF-style: chr1-109482337-T-G.
Other names: c.962A>C, p.Glu321Ala (NM_001048210.3, NM_001377459.1, NM_001377460.1 and 8 more transcripts); c.599A>C, p.Glu200Ala (NM_001278202.2); c.407A>C, p.Glu136Ala (NM_001278203.1); c.860A>C, p.Glu287Ala (NM_001377469.1); c.671A>C, p.Glu224Ala (NM_001377470.1); c.812A>C, p.Glu271Ala (NM_015127.5); short protein forms E136A, E200A, E224A, E271A, E287A, E321A.
Identifiers: ClinVar variation 1002736 (VCV001002736.8), dbSNP rs1653575894, ClinGen allele CA341459556.

ClinVar aggregate classification (germline): Uncertain significance (1 of 4 stars; one submission).

Submission:

Labcorp Genetics (formerly Invitae), Labcorp
Classification: Uncertain significance. Last evaluated: 2020-08-14. Review status: criteria provided, single submitter. Criteria: Invitae Variant Classification Sherloc (09022015). Collection method: clinical testing. Allele origin: germline.
Comment: Algorithms developed to predict the effect of missense changes on protein structure and function are either unavailable or do not agree on the potential impact of this missense change (SIFT: "Deleterious"; PolyPhen-2: "Probably Damaging"; Align-GVGD: "Class C0"). In summary, the available evidence is currently insufficient to determine the role of this variant in disease. Therefore, it has been classified as a Variant of Uncertain Significance. This sequence change replaces glutamic acid with alanine at codon 321 of the CLCC1 protein (p.Glu321Ala). The glutamic acid residue is highly conserved and there is a moderate physicochemical difference between glutamic acid and alanine. This variant is not present in population databases (ExAC no frequency). This variant has not been reported in the literature in individuals with CLCC1-related conditions.